The following is an entry in ClinVar:

ClinVar aggregate classification (germline): Likely pathogenic (1 of 4 stars; one submission).

Conditions:
TCOF1-related disorder. Also called: TCOF1-related condition.

Submission:

PreventionGenetics, part of Exact Sciences
Classification: Likely pathogenic for TCOF1-related condition. Last evaluated: 2026-04-29. Review status: criteria provided, single submitter. Criteria: ACMG Guidelines, 2015. Collection method: clinical testing. Allele origin: germline.
Comment: The TCOF1 c.994_995delGC variant is predicted to result in a frameshift and premature protein termination (p.Ala332Argfs*16). To our knowledge, this variant has not been reported in the literature or in a large population database (gnomAD), indicating this variant is rare. Frameshift variants in TCOF1 are expected to be pathogenic. This variant is interpreted as likely pathogenic.

NM_001371623.1(TCOF1):c.994_995del (p.Ala332fs)

Gene: TCOF1 (treacle ribosome biogenesis factor 1; plus strand). Cytogenetic location: 5q32.
Variant type: Deletion.
Coding change: c.994_995del on transcript NM_001371623.1 (MANE Select); coding-DNA positions 994 to 995, 2 bases deleted (GC; older notation c.994_995delGC).
Protein change: p.Ala332fs; shifts the reading frame from alanine 332.
Molecular consequence: frameshift variant.
Genome position (GRCh38, 1-based): chr5:150,374,297-150,374,298, GC deleted. VCF-style (leftmost placement, unchanged base first): chr5-150374296-GGC-G. GRCh37 (hg19) VCF-style: chr5-149753859-GGC-G.
Other names: c.763_764del, p.Ala255fs (NM_000356.4, NM_001135245.2, NM_001437406.1); c.994_995del, p.Ala332fs (NM_001008657.3, NM_001135243.2, NM_001135244.2 and 1 more transcripts); short protein forms A332fs, A255fs.
Identifiers: ClinVar variation 4996021 (VCV004996021.1).